The following is an entry in ClinVar:

ClinVar aggregate classification (germline): Uncertain significance (1 of 4 stars; one submission).

Submission:

GeneDx
Classification: Uncertain significance. Last evaluated: 2022-01-13. Review status: criteria provided, single submitter. Criteria: GeneDx Variant Classification Process June 2021. Collection method: clinical testing. Allele origin: germline. Affected: yes.
Comment: Not observed at significant frequency in large population cohorts (gnomAD); In silico analysis supports that this missense variant has a deleterious effect on protein structure/function; Has not been previously published as pathogenic or benign to our knowledge

NM_001348716.2(KDM6B):c.3976A>T (p.Ile1326Phe)

Genes: KDM6B (lysine demethylase 6B; plus strand), LOC121587574 (Sharpr-MPRA regulatory region 3930; plus strand). Cytogenetic location: 17p13.1.
Variant type: single nucleotide variant.
Coding change: c.3976A>T on transcript NM_001348716.2 (MANE Select); coding-DNA position 3976, A replaced by T.
Protein change: p.Ile1326Phe; replaces isoleucine 1326 with phenylalanine.
Molecular consequence: missense variant.
Genome position (GRCh38, 1-based): chr17:7,851,509, A>T. VCF-style: chr17-7851509-A-T. GRCh37 (hg19) VCF-style: chr17-7754827-A-T.
Other names: c.3976A>T, p.Ile1326Phe (NM_001080424.2); short protein forms I1326F.
Identifiers: ClinVar variation 1697084 (VCV001697084.2), dbSNP rs2151379313, ClinGen allele CA397926561.
Genomic context (GRCh38, chr17:7,851,509, plus strand): 5'-CCACCAACCTGTGCTCTTCGCCCCAGCAGCAGCGCACCAGACCCGAAGAACCATCACATC[A>T]TCAAGTTTGGCACCAACATCGACTTGTCTGATGCTAAGCGGTCAGTGGGGCTGAGGCCAG-3'
Protein context (NP_001335645.1, residues 1316-1336): SAPDPKNHHI[Ile1326Phe]KFGTNIDLSD